The following is an entry in ClinVar:

ClinVar aggregate classification (germline): Uncertain significance (1 of 4 stars; one submission).

Allele frequency attached by ClinVar (database versions not stated): gnomAD 0.00001; gnomAD exomes 0.00001; ExAC 0.00011.
gnomAD v4.1: 5 of 1,518,954 alleles (0.00033%); highest among the groups gnomAD compares: Non-Finnish European, 0.00044%; no homozygotes.

Submission:

Labcorp Genetics (formerly Invitae), Labcorp
Classification: Uncertain significance. Last evaluated: 2023-12-13. Review status: criteria provided, single submitter. Criteria: Invitae Variant Classification Sherloc (09022015). Collection method: clinical testing. Allele origin: germline.
Comment: This sequence change replaces arginine, which is basic and polar, with cysteine, which is neutral and slightly polar, at codon 1962 of the SON protein (p.Arg1962Cys). This variant is not present in population databases (gnomAD no frequency). This variant has not been reported in the literature in individuals affected with SON-related conditions. Experimental studies and prediction algorithms are not available or were not evaluated, and the functional significance of this variant is currently unknown. In summary, the available evidence is currently insufficient to determine the role of this variant in disease. Therefore, it has been classified as a Variant of Uncertain Significance.

NM_138927.4(SON):c.5884C>T (p.Arg1962Cys)

Gene: SON (SON DNA and RNA binding protein; plus strand). Cytogenetic location: 21q22.11.
Variant type: single nucleotide variant.
Coding change: c.5884C>T on transcript NM_138927.4 (MANE Select); coding-DNA position 5884, C replaced by T.
Protein change: p.Arg1962Cys; replaces arginine 1962 with cysteine.
Molecular consequence: missense variant. On other transcripts: non-coding transcript variant (1), intron variant (1).
Genome position (GRCh38, 1-based): chr21:33,555,115, C>T. VCF-style: chr21-33555115-C-T. GRCh37 (hg19) VCF-style: chr21-34927421-C-T.
Other names: c.5884C>T, p.Arg1962Cys (NM_001291411.2, NM_001412133.1, NM_032195.3 and 2 more transcripts); c.245-2041C>T (NM_001291412.3); short protein forms R1962C.
Identifiers: ClinVar variation 2716466 (VCV002716466.3), dbSNP rs779836991, ClinGen allele CA10009831.